The following is an entry in ClinVar:

NM_001355436.2(SPTB):c.5313G>A (p.Trp1771Ter)

Gene: SPTB (spectrin beta, erythrocytic; minus strand). Cytogenetic location: 14q23.3.
Variant type: single nucleotide variant.
Coding change: c.5313G>A on transcript NM_001355436.2 (MANE Select); coding-DNA position 5313, G replaced by A.
Protein change: p.Trp1771Ter; replaces tryptophan 1771 with a stop codon.
Molecular consequence: nonsense.
Genome position (GRCh38, 1-based): chr14:64,772,820, C>T on the plus strand (G>A on the coding strand, the complement: SPTB is on the minus strand). VCF-style: chr14-64772820-C-T. GRCh37 (hg19) VCF-style: chr14-65239538-C-T.
Other names: c.5313G>A, p.Trp1771Ter (NM_001024858.4, NM_001355437.2); short protein forms W1771*.
Identifiers: ClinVar variation 3728819 (VCV003728819.2).

ClinVar aggregate classification (germline): Pathogenic (1 of 4 stars; one submission).

Submission:

Labcorp Genetics (formerly Invitae), Labcorp
Classification: Pathogenic. Last evaluated: 2025-01-11. Review status: criteria provided, single submitter. Criteria: Invitae Variant Classification Sherloc (09022015). Collection method: clinical testing. Allele origin: germline.
Comment: This sequence change creates a premature translational stop signal (p.Trp1771*) in the SPTB gene. It is expected to result in an absent or disrupted protein product. Loss-of-function variants in SPTB are known to be pathogenic (PMID: 1391962, 1498324, 8844207, 26830532, 27292444). This variant is not present in population databases (gnomAD no frequency). This variant has not been reported in the literature in individuals affected with SPTB-related conditions. For these reasons, this variant has been classified as Pathogenic.

Literature cited by the submitters: PubMed 1391962; PubMed 1498324; PubMed 8844207; PubMed 26830532; PubMed 27292444.